The following is an entry in ClinVar:

NM_004360.5(CDH1):c.1411G>A (p.Ala471Thr)

Gene: CDH1 (cadherin 1; plus strand). Cytogenetic location: 16q22.1.
Variant type: single nucleotide variant.
Coding change: c.1411G>A on transcript NM_004360.5 (MANE Select); coding-DNA position 1411, G replaced by A.
Protein change: p.Ala471Thr; replaces alanine 471 with threonine.
Molecular consequence: missense variant. On other transcripts: 5 prime UTR variant (2).
Genome position (GRCh38, 1-based): chr16:68,815,605, G>A. VCF-style: chr16-68815605-G-A. GRCh37 (hg19) VCF-style: chr16-68849508-G-A.
Other names: c.1228G>A, p.Ala410Thr (NM_001317184.2); c.-138G>A (NM_001317185.2); c.-409G>A (NM_001317186.2); short protein forms A410T, A471T.
Identifiers: ClinVar variation 1772053 (VCV001772053.2), dbSNP rs2152134863, ClinGen allele CA396462941.
Genomic context (GRCh38, chr16:68,815,605, plus strand): 5'-ATTCTACACGTAGCAGTGACGAATGTGGTACCTTTTGAGGTCTCTCTCACCACCTCCACA[G>A]CCACCGTCACCGTGGATGTGCTGGATGTGAATGAAGCCCCCATCTTTGTGCCTCCTGAAA-3'
Protein context (NP_004351.1, residues 461-481): PFEVSLTTST[Ala471Thr]TVTVDVLDVN

ClinVar aggregate classification (germline): Uncertain significance (1 of 4 stars; one submission).

Conditions:
Hereditary cancer-predisposing syndrome. Also called: Hereditary Cancer Syndrome; Hereditary neoplastic syndrome; Neoplastic Syndromes, Hereditary; Tumor predisposition. Identifiers: Orphanet 140162, MedGen C0027672, MeSH D009386, MONDO:0015356.

Submission:

Ambry Genetics
Classification: Uncertain significance for Hereditary cancer-predisposing syndrome. Last evaluated: 2021-08-27. Review status: criteria provided, single submitter. Criteria: Ambry Variant Classification Scheme 2023. Collection method: clinical testing. Allele origin: germline.
Comment: The p.A471T variant (also known as c.1411G>A), located in coding exon 10 of the CDH1 gene, results from a G to A substitution at nucleotide position 1411. The alanine at codon 471 is replaced by threonine, an amino acid with similar properties. This amino acid position is highly conserved in available vertebrate species. In addition, this alteration is predicted to be tolerated by in silico analysis. Since supporting evidence is limited at this time, the clinical significance of this alteration remains unclear.